The following is an entry in ClinVar:

ClinVar aggregate classification (germline): Uncertain significance (1 of 4 stars; one submission).

Submission:

GeneDx
Classification: Uncertain significance. Last evaluated: 2014-04-10. Review status: criteria provided, single submitter. Criteria: GeneDx Variant Classification (06012015). Collection method: clinical testing. Allele origin: germline. Affected: yes.
Comment: c.37008delT: p.Tyr12336Stop (Y12336X) in exon 178 of the TTN gene (NM_001256850.1). The normal sequence with the base that is deleted in braces is: TTTA{T}GAGA. The c.37008delT variant in the TTN gene has not been reported previously as a disease-causing mutation or as a benign polymorphism, to our knowledge. The c.37008delT variant causes an immediate replacement of the Tyrosine codon at position 12336 with a stop codon, denoted Y12336X. This variant is expected to result in either an abnormal, truncated protein product or loss of protein from this allele through nonsense-mediated mRNA decay. However, c.37008delT is not located in the A-band region of titin, where the majority of truncating mutations associated with DCM have been reported (Herman D et al., 2012). Other truncating TTN variants have been reported in approximately 3% of control alleles (Herman D et al., 2012). Therefore, based on the currently available information, it is unclear whether this variant is a pathogenic mutation or a rare benign variant. The variant is found in CARDIOMYOPATHY panel(s).

NM_001267550.2(TTN):c.41931del (p.Ile13976_Tyr13977insTer)

Gene: TTN (titin; minus strand). Cytogenetic location: 2q31.2.
Variant type: Deletion.
Coding change: c.41931del on transcript NM_001267550.2 (MANE Select); coding-DNA position 41931, one base deleted (T; older notation c.41931delT).
Protein change: p.Ile13976_Tyr13977insTer.
Molecular consequence: nonsense.
Genome position (GRCh38, 1-based): chr2:178,635,258, A deleted on the plus strand (T on the coding strand, the reverse complement: TTN is on the minus strand). VCF-style (leftmost placement, unchanged base first): chr2-178635257-CA-C. GRCh37 (hg19) VCF-style: chr2-179499984-CA-C.
Other names: c.37008del, p.Ile12335_Tyr12336insTer (NM_001256850.1); c.14736del, p.Ile4911_Tyr4912insTer (NM_003319.4); c.34227del, p.Ile11408_Tyr11409insTer (NM_133378.4); c.15111del, p.Ile5036_Tyr5037insTer (NM_133432.3); c.15312del, p.Ile5103_Tyr5104insTer (NM_133437.4); c.37008delT (NM_001256850.1).
Identifiers: ClinVar variation 202438 (VCV000202438.1), dbSNP rs794729312, ClinGen allele CA309397.